The following is an entry in ClinVar:

ClinVar aggregate classification (germline): Uncertain significance (1 of 4 stars; one submission).

Allele frequency attached by ClinVar (database versions not stated): gnomAD exomes below 0.00001 and 0.00001; ExAC 0.00001.
gnomAD v4.1: 5 of 1,613,612 alleles (0.00031%); highest among the groups gnomAD compares: Admixed American, 0.0033%; no homozygotes.

Submission:

Labcorp Genetics (formerly Invitae), Labcorp
Classification: Uncertain significance. Last evaluated: 2025-10-23. Review status: criteria provided, single submitter. Criteria: Invitae Variant Classification Sherloc (09022015). Collection method: clinical testing. Allele origin: germline.
Comment: This sequence change affects codon 534 of the ZNF341 mRNA. It is a 'silent' change, meaning that it does not change the encoded amino acid sequence of the ZNF341 protein. It affects a nucleotide within the consensus splice site. This variant is present in population databases (rs771604986, gnomAD 0.006%). This variant has not been reported in the literature in individuals affected with ZNF341-related conditions. ClinVar contains an entry for this variant (Variation ID: 1477752). Algorithms developed to predict the effect of sequence changes on RNA splicing suggest that this variant is not likely to affect RNA splicing. In summary, the available evidence is currently insufficient to determine the role of this variant in disease. Therefore, it has been classified as a Variant of Uncertain Significance.

NM_001282933.2(ZNF341):c.1623G>A (p.Lys541=)

Gene: ZNF341 (zinc finger protein 341; plus strand). Cytogenetic location: 20q11.22.
Variant type: single nucleotide variant.
Coding change: c.1623G>A on transcript NM_001282933.2 (MANE Select); coding-DNA position 1623, G replaced by A.
Protein change: p.Lys541=; no amino-acid change (lysine 541 retained).
Molecular consequence: synonymous variant.
Genome position (GRCh38, 1-based): chr20:33,781,291, G>A. VCF-style: chr20-33781291-G-A. GRCh37 (hg19) VCF-style: chr20-32369097-G-A.
Other names: c.1353G>A, p.Lys451= (NM_001282935.2); c.1602G>A, p.Lys534= (NM_032819.5).
Identifiers: ClinVar variation 1477752 (VCV001477752.6), dbSNP rs771604986, ClinGen allele CA9819503.